The following is an entry in ClinVar:

NM_000094.4(COL7A1):c.8392A>G (p.Met2798Val)

Gene: COL7A1 (collagen type VII alpha 1 chain; minus strand). Cytogenetic location: 3p21.31.
Variant type: single nucleotide variant.
Coding change: c.8392A>G on transcript NM_000094.4 (MANE Select); coding-DNA position 8392, A replaced by G.
Protein change: p.Met2798Val; replaces methionine 2798 with valine.
Molecular consequence: missense variant.
Genome position (GRCh38, 1-based): chr3:48,566,282, T>C on the plus strand (A>G on the coding strand, the complement: COL7A1 is on the minus strand). VCF-style: chr3-48566282-T-C. GRCh37 (hg19) VCF-style: chr3-48603715-T-C.
Other names: short protein forms M2798V.
Identifiers: ClinVar variation 2882332 (VCV002882332.4), dbSNP rs1236645507, ClinGen allele CA352636241.
Genomic context (GRCh38, chr3:48,566,282, plus strand): 5'-GGGTGCTGGGGTGGAGTGGGAGACTGCGGGCTGGGCACCACTCACCACAGTGCTGACTCA[T>C]CTCTTGGCGCACAAAGCCCCGGATGTCATCCTCCTGGGAGCAGAAGACCACAGGGACCAT-3'
Protein context (NP_000085.1, residues 2788-2808): DDIRGFVRQE[Met2798Val]SQHCACQGQF

ClinVar aggregate classification (germline): Uncertain significance. Review status: criteria provided, multiple submitters, no conflicts (2 of 4 stars). 2 submissions from 2 submitters: Uncertain significance (2). Last evaluated 2026-06-04.

Allele frequency attached by ClinVar (database versions not stated): gnomAD exomes below 0.00001; TOPMed below 0.00001.
gnomAD v4.1: 1 of 1,602,620 alleles (0.000062%); highest among the groups gnomAD compares: African/African-American, 0.0013%; no homozygotes.

Submissions (2):

Women's Health and Genetics/Laboratory Corporation of America, LabCorp
Classification: Uncertain significance. Last evaluated: 2026-06-04. Review status: criteria provided, single submitter. Criteria: LabCorp Variant Classification Summary - May 2015. Collection method: clinical testing. Allele origin: germline.
Comment: Variant summary: COL7A1 c.8392A>G (p.Met2798Val) results in a conservative amino acid change in the encoded protein sequence. Algorithms developed to predict the effect of missense changes on protein structure and function are either unavailable or do not agree on the potential impact of this missense change. The variant was absent in 230376 control chromosomes. The available data on variant occurrences in the general population are insufficient to allow any conclusion about variant significance. To our knowledge, no occurrence of c.8392A>G in individuals affected with COL7A1-related conditions and no experimental evidence demonstrating its impact on protein function have been reported. ClinVar contains an entry for this variant (Variation ID: 2882332). Based on the evidence outlined above, the variant was classified as uncertain significance.

Labcorp Genetics (formerly Invitae), Labcorp
Classification: Uncertain significance. Last evaluated: 2023-12-21. Review status: criteria provided, single submitter. Criteria: Invitae Variant Classification Sherloc (09022015). Collection method: clinical testing. Allele origin: germline.
Comment: This sequence change replaces methionine, which is neutral and non-polar, with valine, which is neutral and non-polar, at codon 2798 of the COL7A1 protein (p.Met2798Val). This variant is not present in population databases (gnomAD no frequency). This variant has not been reported in the literature in individuals affected with COL7A1-related conditions. Advanced modeling of protein sequence and biophysical properties (such as structural, functional, and spatial information, amino acid conservation, physicochemical variation, residue mobility, and thermodynamic stability) has been performed at Invitae for this missense variant, however the output from this modeling did not meet the statistical confidence thresholds required to predict the impact of this variant on COL7A1 protein function. Algorithms developed to predict the effect of sequence changes on RNA splicing suggest that this variant may disrupt the consensus splice site. This variant disrupts the p.Met2798 amino acid residue in COL7A1. Other variant(s) that disrupt this residue have been determined to be pathogenic (PMID: 34435747). This suggests that this residue is clinically significant, and that variants that disrupt this residue are likely to be disease-causing. In summary, the available evidence is currently insufficient to determine the role of this variant in disease. Therefore, it has been classified as a Variant of Uncertain Significance.

Literature cited by the submitters: PubMed 34435747 (cited by Labcorp Genetics (formerly Invitae), Labcorp).